The following is an entry in ClinVar:

NM_178857.6(RP1L1):c.3997G>A (p.Glu1333Lys)

Gene: RP1L1 (RP1 like 1). Cytogenetic location: 8p23.1.
Variant type: single nucleotide variant.
Coding change: c.3997G>A on transcript NM_178857.6 (MANE Select); coding-DNA position 3997, G replaced by A.
Protein change: p.Glu1333Lys; replaces glutamic acid 1333 with lysine.
Molecular consequence: missense variant.
Genome position (GRCh38, 1-based): chr8:10,610,101, C>T on the plus strand (G>A on the coding strand, the complement: RP1L1 is on the minus strand). VCF-style: chr8-10610101-C-T. GRCh37 (hg19) VCF-style: chr8-10467611-C-T.
Other names: short protein forms E1333K.
Identifiers: ClinVar variation 4881416 (VCV004881416.2).
Genomic context (GRCh38, chr8:10,610,101, plus strand): 5'-CTTCTTCTTGCTGTCCTTCTCCTTCTGTTTCTTTAGTTTCCTCTAACTGCACCCCCTCTT[C>T]TTGCAGCCCTTCTTCTGTTTTAGTTTCCTCTAACTGCACCGCCTCTTCTTGCAGCCCTTC-3'
Protein context (NP_849188.4, residues 1323-1343): EETKTEEGLQ[Glu1333Lys]EGVQLEETKE

ClinVar aggregate classification (germline): Uncertain significance (1 of 4 stars; one submission).

Conditions:
Occult macular dystrophy (OCMD). Also called: OMD; OCCULT MACULAR DYSTROPHY, SUSCEPTIBILITY TO. Identifiers: Orphanet 247834, MedGen C3150833, MONDO:0013316, OMIM 613587, HP:0030636.

Submission:

Dasa
Classification: Uncertain significance for Occult macular dystrophy. Last evaluated: 2025-12-29. Review status: criteria provided, single submitter. Criteria: DASA Assertion Criteria. Collection method: clinical testing. Allele origin: germline.
Comment: NM_178857.6(RP1L1):c.3997G>A (p.Glu1333Lys) is a missense variant that results in the substitution of glutamic acid with lysine. This variant is rare in population databases. Computational prediction algorithms are consistent with a benign effect. The currently available literature and clinical evidence are not sufficient to establish a definitive association between this variant and the reported condition. Therefore, this variant is classified as a variant of uncertain significance.